The following is an entry in ClinVar:

ClinVar aggregate classification (germline): Benign/Likely benign. Review status: criteria provided, multiple submitters, no conflicts (2 of 4 stars). 3 submissions from 3 submitters: Benign (1); Likely benign (1). 1 of the submissions does not count toward it. Last evaluated 2024-09-29.

Conditions:
ACTN1-related disorder. Also called: ACTN1-related condition.

Allele frequency attached by ClinVar (database versions not stated): gnomAD exomes 0.00016; ExAC 0.00036; 1000 Genomes Project 0.00040; 1000 Genomes Project 30x 0.00047; TOPMed 0.00002; gnomAD 0.00009.
gnomAD v4.1: 234 of 1,614,174 alleles (0.014%); highest among the groups gnomAD compares: South Asian, 0.25%; 1 homozygote.

Submissions (3):

Labcorp Genetics (formerly Invitae), Labcorp
Classification: Likely benign. Last evaluated: 2024-09-29. Review status: criteria provided, single submitter. Criteria: Invitae Variant Classification Sherloc (09022015). Collection method: clinical testing. Allele origin: germline.

CeGaT Center for Human Genetics Tuebingen
Classification: Benign. Last evaluated: 2022-07-01. Review status: criteria provided, single submitter. Criteria: CeGaT Center For Human Genetics Tuebingen Variant Classification Criteria Version 2. Collection method: clinical testing. Allele origin: germline. Affected: yes. Observed: 1 variant allele.
Comment: ACTN1: BS1, BS2

PreventionGenetics, part of Exact Sciences
Classification: Likely benign for ACTN1-related condition. Last evaluated: 2022-01-17. Review status: no assertion criteria provided. Collection method: clinical testing. Allele origin: germline. Not counted in ClinVar's aggregate classification.
Comment: This variant is classified as likely benign based on ACMG/AMP sequence variant interpretation guidelines (Richards et al. 2015 PMID: 25741868, with internal and published modifications).

NM_001130004.2(ACTN1):c.1454A>G (p.Asn485Ser)

Gene: ACTN1 (actinin alpha 1; minus strand). Cytogenetic location: 14q24.1.
Variant type: single nucleotide variant.
Coding change: c.1454A>G on transcript NM_001130004.2 (MANE Select); coding-DNA position 1454, A replaced by G.
Protein change: p.Asn485Ser; replaces asparagine 485 with serine.
Molecular consequence: missense variant.
Genome position (GRCh38, 1-based): chr14:68,884,815, T>C on the plus strand (A>G on the coding strand, the complement: ACTN1 is on the minus strand). VCF-style: chr14-68884815-T-C. GRCh37 (hg19) VCF-style: chr14-69351532-T-C.
Other names: c.1454A>G, p.Asn485Ser (NM_001102.4, NM_001130005.2); c.1478A>G, p.Asn493Ser (NM_001411035.1); c.1259A>G, p.Asn420Ser (NM_001411036.1); short protein forms N493S, N485S, N420S.
Identifiers: ClinVar variation 2155865 (VCV002155865.29), dbSNP rs535607678, ClinGen allele CA7242363.
Genomic context (GRCh38, chr14:68,884,815, plus strand): 5'-CTCCCTCTGGGACCTCTCACCTCCAGAGCTTCCCTTCGCTTCTGAGTTAGGGCCCCCAGA[T>C]TGTCCCACTGGTCACAGATCTTTTGGCAACGGGCGTTGACACTGGGTGAGTCATAATAGT-3'
Protein context (NP_001123476.1, residues 475-495): RCQKICDQWD[Asn485Ser]LGALTQKRRE